The following is an entry in ClinVar:

NM_015910.7(WDPCP):c.2159-3del

Gene: WDPCP (WD repeat containing planar cell polarity effector; minus strand). Cytogenetic location: 2p15.
Variant type: Deletion.
Coding change: c.2159-3del on transcript NM_015910.7 (MANE Select); 3 bases into the intron before coding-DNA position 2159, one base deleted (T; older notation c.2159-3delT).
Molecular consequence: intron variant.
Genome position (GRCh38, 1-based): chr2:63,152,948, A deleted on the plus strand (T on the coding strand, the reverse complement: WDPCP is on the minus strand); the first of 3 consecutive A bases (chr2:63,152,948-63,152,950); deleting any one gives the same sequence. VCF-style (leftmost placement, unchanged base first): chr2-63152947-TA-T. GRCh37 (hg19) VCF-style: chr2-63380082-TA-T.
Other names: c.2087-3del (NM_001354044.2); c.1682-3del (NM_001042692.3).
Identifiers: ClinVar variation 4082540 (VCV004082540.2).

ClinVar aggregate classification (germline): Uncertain significance (1 of 4 stars; one submission).

Submission:

Genetic Services Laboratory, University of Chicago
Classification: Uncertain significance. Last evaluated: 2023-03-06. Review status: criteria provided, single submitter. Criteria: ACMG Guidelines, 2015. Collection method: clinical testing. Allele origin: germline. Affected: no.
Comment: DNA sequence analysis of the WDPCP gene demonstrated a sequence change in intron 16, c.2159-3del. This change does not appear to have been previously described in individuals with WDPCP-related disorders and has also not been described in population databases such as ExAC and gnomAD. In-silico splice prediction programs provide inconclusive results for this sequence change. It is possible that this sequence change represents a benign sequence change in the WDPCP gene that has not been identified to date. The functional significance of this sequence change is not known at present and its contribution to this individual's disease phenotype cannot definitively be determined.